The following is an entry in ClinVar:

NM_001276270.2(MBD4):c.76C>G (p.Leu26Val)

Gene: MBD4 (methyl-CpG binding domain 4, DNA glycosylase; minus strand). Cytogenetic location: 3q21.3.
Variant type: single nucleotide variant.
Coding change: c.76C>G on transcript NM_001276270.2 (MANE Select); coding-DNA position 76, C replaced by G.
Protein change: p.Leu26Val; replaces leucine 26 with valine.
Molecular consequence: missense variant.
Genome position (GRCh38, 1-based): chr3:129,439,758, G>C on the plus strand (C>G on the coding strand, the complement: MBD4 is on the minus strand). VCF-style: chr3-129439758-G-C. GRCh37 (hg19) VCF-style: chr3-129158601-G-C.
Other names: c.76C>G, p.Leu26Val (NM_001276271.2, NM_001276272.2, NM_001276273.2 and 1 more transcripts); short protein forms L26V.
Identifiers: ClinVar variation 3543746 (VCV003543746.4).
Genomic context (GRCh38, chr3:129,439,758, plus strand): 5'-AAACTGAGGCCCAAAAGGGGACAGTAACTTACCGGAGGTCATTCGGCGGGTCTGGGACTA[G>C]GCGCTCACTAGAGGTGACGGTGGGGGCAGCTCCGCGGTCCCCCAGACTCAGACTCTCCAG-3'
Protein context (NP_001263199.1, residues 16-36): AAPTVTSSER[Leu26Val]VPDPPNDLRK

ClinVar aggregate classification (germline): Conflicting classifications of pathogenicity. Review status: criteria provided, conflicting classifications (1 of 4 stars). 3 submissions from 3 submitters: Uncertain significance (2); Likely benign (1). Last evaluated 2025-04-24.

Conditions:
Tumor predisposition syndrome 2 (TPDS2). Also called: MBD4-ASSOCIATED NEOPLASIA SYNDROME; MBD4-Related Tumor Predisposition Syndrome; MBD4-associated neoplasia syndrome (MANS). Identifiers: Orphanet 661526, MedGen C5774186, MONDO:0859267, OMIM 619975.
Melanoma, uveal, susceptibility to, 1 (UVM1). Identifiers: Orphanet 39044, MedGen C1847724, MONDO:0011695, OMIM 606660. Disease mechanism: loss of function.
Inborn genetic diseases. Identifiers: MedGen C0950123, MeSH D030342.

gnomAD v4.1: 31 of 1,602,266 alleles (0.0019%); highest among the groups gnomAD compares: South Asian, 0.034%; no homozygotes.

Submissions (3):

Labcorp Genetics (formerly Invitae), Labcorp
Classification: Uncertain significance. Last evaluated: 2025-04-24. Review status: criteria provided, single submitter. Criteria: Invitae Variant Classification Sherloc (09022015). Collection method: clinical testing. Allele origin: germline.
Comment: This sequence change replaces leucine, which is neutral and non-polar, with valine, which is neutral and non-polar, at codon 26 of the MBD4 protein (p.Leu26Val). This variant is present in population databases (rs755779356, gnomAD 0.04%). This variant has not been reported in the literature in individuals affected with MBD4-related conditions. ClinVar contains an entry for this variant (Variation ID: 3543746). An algorithm developed to predict the effect of missense changes on protein structure and function (PolyPhen-2) suggests that this variant is likely to be tolerated. In summary, the available evidence is currently insufficient to determine the role of this variant in disease. Therefore, it has been classified as a Variant of Uncertain Significance.

Ambry Genetics
Classification: Likely benign for Inborn genetic diseases. Last evaluated: 2024-10-17. Review status: criteria provided, single submitter. Criteria: Ambry Variant Classification Scheme 2023. Collection method: clinical testing. Allele origin: germline.

Fulgent Genetics
Classification: Uncertain significance for Melanoma, uveal, susceptibility to, 1; Tumor predisposition syndrome 2. Last evaluated: 2024-06-10. Review status: criteria provided, single submitter. Criteria: ACMG Guidelines, 2015. Collection method: clinical testing. Allele origin: germline.